The following is an entry in ClinVar:

ClinVar aggregate classification (germline): Uncertain significance. Review status: criteria provided, multiple submitters, no conflicts (2 of 4 stars). 2 submissions from 2 submitters: Uncertain significance (2). Last evaluated 2025-09-16.

Conditions:
Hereditary cancer-predisposing syndrome. Also called: Neoplastic Syndromes, Hereditary; Hereditary Cancer Syndrome; Tumor predisposition; Hereditary neoplastic syndrome. Identifiers: Orphanet 140162, MedGen C0027672, MeSH D009386, MONDO:0015356.
Neuroblastoma, susceptibility to, 3. Also called: ALK-Related Neuroblastic Tumor Susceptibility. Identifiers: Orphanet 635, MedGen C2751681, MONDO:0013083, OMIM 613014.

gnomAD v4.1: 1 of 1,613,986 alleles (0.000062%); highest among the groups gnomAD compares: Non-Finnish European, 0.000085%; no homozygotes.

Submissions (2):

Ambry Genetics
Classification: Uncertain significance for Hereditary cancer-predisposing syndrome. Last evaluated: 2025-09-16. Review status: criteria provided, single submitter. Criteria: Ambry Variant Classification Scheme 2023. Collection method: clinical testing. Allele origin: germline.
Comment: The p.S652P variant (also known as c.1954T>C), located in coding exon 11 of the ALK gene, results from a T to C substitution at nucleotide position 1954. The serine at codon 652 is replaced by proline, an amino acid with similar properties. This amino acid position is conserved. In addition, this alteration is predicted to be deleterious by in silico analysis. Based on the available evidence, the clinical significance of this variant remains unclear.

Labcorp Genetics (formerly Invitae), Labcorp
Classification: Uncertain significance for Neuroblastoma, susceptibility to, 3. Last evaluated: 2021-08-16. Review status: criteria provided, single submitter. Criteria: Invitae Variant Classification Sherloc (09022015). Collection method: clinical testing. Allele origin: germline.
Comment: This sequence change replaces serine with proline at codon 652 of the ALK protein (p.Ser652Pro). The serine residue is highly conserved and there is a moderate physicochemical difference between serine and proline. This variant is not present in population databases (ExAC no frequency). This variant has not been reported in the literature in individuals affected with ALK-related conditions. Algorithms developed to predict the effect of missense changes on protein structure and function (SIFT, PolyPhen-2, Align-GVGD) all suggest that this variant is likely to be disruptive. In summary, the available evidence is currently insufficient to determine the role of this variant in disease. Therefore, it has been classified as a Variant of Uncertain Significance.

NM_004304.5(ALK):c.1954T>C (p.Ser652Pro)

Gene: ALK (ALK receptor tyrosine kinase; minus strand). Cytogenetic location: 2p23.2.
Variant type: single nucleotide variant.
Coding change: c.1954T>C on transcript NM_004304.5 (MANE Select); coding-DNA position 1954, T replaced by C.
Protein change: p.Ser652Pro; replaces serine 652 with proline.
Molecular consequence: missense variant.
Genome position (GRCh38, 1-based): chr2:29,275,186, A>G on the plus strand (T>C on the coding strand, the complement: ALK is on the minus strand). VCF-style: chr2-29275186-A-G. GRCh37 (hg19) VCF-style: chr2-29498052-A-G.
Other names: c.1954T>C (NM_004304.4); short protein forms S652P.
Identifiers: ClinVar variation 1437146 (VCV001437146.7), dbSNP rs2148215120, ClinGen allele CA346479746.